The following is an entry in ClinVar:

ClinVar aggregate classification (germline): Likely benign. Review status: criteria provided, single submitter (1 of 4 stars). 2 submissions from 2 submitters: Likely benign (1). 1 of the submissions does not count toward it. Last evaluated 2025-02-03.

Conditions:
TMEM132E-related disorder. Also called: TMEM132E-related condition.

Allele frequency attached by ClinVar (database versions not stated): ESP Exome Variant Server 0.00023; 1000 Genomes Project 30x 0.00031; 1000 Genomes Project 0.00040; gnomAD 0.00065 and 0.00071; TOPMed 0.00076; gnomAD exomes 0.00007 and 0.00021; ExAC 0.00023.
gnomAD v4.1: 195 of 1,601,206 alleles (0.012%); highest among the groups gnomAD compares: African/African-American, 0.24%; 2 homozygotes.

Submissions (2):

Labcorp Genetics (formerly Invitae), Labcorp
Classification: Likely benign. Last evaluated: 2025-02-03. Review status: criteria provided, single submitter. Criteria: Invitae Variant Classification Sherloc (09022015). Collection method: clinical testing. Allele origin: germline.

PreventionGenetics, part of Exact Sciences
Classification: Likely benign for TMEM132E-related condition. Last evaluated: 2024-03-05. Review status: no assertion criteria provided. Collection method: clinical testing. Allele origin: germline. Not counted in ClinVar's aggregate classification.
Comment: This variant is classified as likely benign based on ACMG/AMP sequence variant interpretation guidelines (Richards et al. 2015 PMID: 25741868, with internal and published modifications).

NM_001304438.2(TMEM132E):c.470G>C (p.Gly157Ala)

Gene: TMEM132E (transmembrane protein 132E; plus strand). Cytogenetic location: 17q12.
Variant type: single nucleotide variant.
Coding change: c.470G>C on transcript NM_001304438.2 (MANE Select); coding-DNA position 470, G replaced by C.
Protein change: p.Gly157Ala; replaces glycine 157 with alanine.
Molecular consequence: missense variant.
Genome position (GRCh38, 1-based): chr17:34,626,529, G>C. VCF-style: chr17-34626529-G-C. GRCh37 (hg19) VCF-style: chr17-32953548-G-C.
Other names: c.470G>C (NM_001304438.1); short protein forms G157A.
Identifiers: ClinVar variation 1644183 (VCV001644183.10), dbSNP rs151214976, ClinGen allele CA8496450.